The following is an entry in ClinVar:

NM_001129.5(AEBP1):c.836C>T (p.Pro279Leu)

Gene: AEBP1 (AE binding protein 1; plus strand). Cytogenetic location: 7p13.
Variant type: single nucleotide variant.
Coding change: c.836C>T on transcript NM_001129.5 (MANE Select); coding-DNA position 836, C replaced by T.
Protein change: p.Pro279Leu; replaces proline 279 with leucine.
Molecular consequence: missense variant.
Genome position (GRCh38, 1-based): chr7:44,107,905, C>T. VCF-style: chr7-44107905-C-T. GRCh37 (hg19) VCF-style: chr7-44147504-C-T.
Other names: short protein forms P279L.
Identifiers: ClinVar variation 1898184 (VCV001898184.5), dbSNP rs752164012, ClinGen allele CA4237643.

ClinVar aggregate classification (germline): Uncertain significance. Review status: criteria provided, multiple submitters, no conflicts (2 of 4 stars). 2 submissions from 2 submitters: Uncertain significance (2). Last evaluated 2025-07-01.

Allele frequency attached by ClinVar (database versions not stated): gnomAD 0.00005; ExAC 0.00006.
gnomAD v4.1: 98 of 1,593,520 alleles (0.0061%); highest among the groups gnomAD compares: Non-Finnish European, 0.0076%; no homozygotes.

Submissions (2):

Women's Health and Genetics/Laboratory Corporation of America, LabCorp
Classification: Uncertain significance. Last evaluated: 2025-07-01. Review status: criteria provided, single submitter. Criteria: LabCorp Variant Classification Summary - May 2015. Collection method: clinical testing. Allele origin: germline.
Comment: Variant summary: AEBP1 c.836C>T (p.Pro279Leu) results in a non-conservative amino acid change in the encoded protein sequence. Algorithms developed to predict the effect of missense changes on protein structure and function are either unavailable or do not agree on the potential impact of this missense change. The variant allele was found at a frequency of 3.8e-05 in 210906 control chromosomes. The available data on variant occurrences in the general population are insufficient to allow any conclusion about variant significance. c.836C>T has been observed in individual(s) affected with Developmental disorder (Kaplanis_2020). These report(s) do not provide unequivocal conclusions about association of the variant with Ehlers-Danlos syndrome, classic-like, 2. To our knowledge, no experimental evidence demonstrating an impact on protein function has been reported. The following publications have been ascertained in the context of this evaluation (PMID: 33057194, 35982159). ClinVar contains an entry for this variant (Variation ID: 1898184). Based on the evidence outlined above, the variant was classified as uncertain significance.

Labcorp Genetics (formerly Invitae), Labcorp
Classification: Uncertain significance. Last evaluated: 2024-10-03. Review status: criteria provided, single submitter. Criteria: Invitae Variant Classification Sherloc (09022015). Collection method: clinical testing. Allele origin: germline.
Comment: This sequence change replaces proline, which is neutral and non-polar, with leucine, which is neutral and non-polar, at codon 279 of the AEBP1 protein (p.Pro279Leu). The frequency data for this variant in the population databases is considered unreliable, as metrics indicate poor data quality at this position in the gnomAD database. This variant has not been reported in the literature in individuals affected with AEBP1-related conditions. ClinVar contains an entry for this variant (Variation ID: 1898184). An algorithm developed to predict the effect of missense changes on protein structure and function (PolyPhen-2) suggests that this variant¬†is likely to be tolerated. In summary, the available evidence is currently insufficient to determine the role of this variant in disease. Therefore, it has been classified as a Variant of Uncertain Significance.

Literature cited by the submitters: PubMed 35982159 (cited by Women's Health and Genetics/Laboratory Corporation of America, LabCorp); PubMed 33057194 (cited by Women's Health and Genetics/Laboratory Corporation of America, LabCorp).